The following is an entry in ClinVar:

NM_001113378.2(FANCI):c.2440C>G (p.Leu814Val)

Gene: FANCI (FA complementation group I; plus strand). Cytogenetic location: 15q26.1.
Variant type: single nucleotide variant.
Coding change: c.2440C>G on transcript NM_001113378.2 (MANE Select); coding-DNA position 2440, C replaced by G.
Protein change: p.Leu814Val; replaces leucine 814 with valine.
Molecular consequence: missense variant.
Genome position (GRCh38, 1-based): chr15:89,293,981, C>G. VCF-style: chr15-89293981-C-G. GRCh37 (hg19) VCF-style: chr15-89837212-C-G.
Other names: c.2161C>G, p.Leu721Val (NM_001376910.1); c.2440C>G, p.Leu814Val (NM_001376911.1, NM_018193.3); short protein forms L721V, L814V.
Identifiers: ClinVar variation 1061228 (VCV001061228.9), dbSNP rs2151741592, ClinGen allele CA393750458.

ClinVar aggregate classification (germline): Uncertain significance (1 of 4 stars; one submission).

Conditions:
Fanconi anemia (FA). Also called: Fanconi's anemia. Identifiers: Orphanet 84, MedGen C0015625, MeSH D005199, MONDO:0019391.

gnomAD v4.1: 1 of 1,614,164 alleles (0.000062%); highest among the groups gnomAD compares: Non-Finnish European, 0.000085%; no homozygotes.

Submission:

Labcorp Genetics (formerly Invitae), Labcorp
Classification: Uncertain significance for Fanconi anemia. Last evaluated: 2020-09-11. Review status: criteria provided, single submitter. Criteria: Invitae Variant Classification Sherloc (09022015). Collection method: clinical testing. Allele origin: germline.
Comment: This sequence change replaces leucine with valine at codon 814 of the FANCI protein (p.Leu814Val). The leucine residue is highly conserved and there is a small physicochemical difference between leucine and valine. This variant is not present in population databases (ExAC no frequency). This variant has not been reported in the literature in individuals with FANCI-related conditions. Algorithms developed to predict the effect of missense changes on protein structure and function are either unavailable or do not agree on the potential impact of this missense change (SIFT: "Deleterious"; PolyPhen-2: "Possibly Damaging"; Align-GVGD: "Class C0"). In summary, the available evidence is currently insufficient to determine the role of this variant in disease. Therefore, it has been classified as a Variant of Uncertain Significance.